The following is an entry in ClinVar:

NM_031443.4(CCM2):c.652C>T (p.Gln218Ter)

Gene: CCM2 (CCM2 scaffold protein; plus strand). Cytogenetic location: 7p13.
Variant type: single nucleotide variant.
Coding change: c.652C>T on transcript NM_031443.4 (MANE Select); coding-DNA position 652, C replaced by T.
Protein change: p.Gln218Ter; replaces glutamine 218 with a stop codon.
Molecular consequence: nonsense. On other transcripts: non-coding transcript variant (1), intron variant (1).
Genome position (GRCh38, 1-based): chr7:45,069,868, C>T. VCF-style: chr7-45069868-C-T. GRCh37 (hg19) VCF-style: chr7-45109467-C-T.
Other names: c.715C>T, p.Gln239Ter (NM_001029835.2); c.478C>T, p.Gln160Ter (NM_001167934.2, NM_001363459.2); c.652C>T, p.Gln218Ter (NM_001363458.2); c.473-2858C>T (NM_001167935.2); short protein forms Q239*, Q160*, Q218*.
Identifiers: ClinVar variation 2735021 (VCV002735021.4), dbSNP rs2486144500, ClinGen allele CA367430580.
Genomic context (GRCh38, chr7:45,069,868, plus strand): 5'-TGCTGTCCCCCACTGCAGGTCGCTGCGGAGGAGCTTTGCTGTCTGCTAGGCCAGGTCTTC[C>T]AGGTTGTTTACACGGAGTCCACCATCGACTTTCTGGACAGAGCGATATTTGATGGGGCCT-3'

ClinVar aggregate classification (germline): Pathogenic. Review status: criteria provided, multiple submitters, no conflicts (2 of 4 stars). 2 submissions from 2 submitters: Pathogenic (2). Last evaluated 2023-07-24.

Conditions:
Cerebral cavernous malformation 2. Also called: Familial Cerebral Cavernous Malformation 2. Identifiers: Orphanet 221061, MedGen C1864041, MONDO:0011304, OMIM 603284.

Submissions (2):

GeneDx
Classification: Pathogenic. Last evaluated: 2023-07-24. Review status: criteria provided, single submitter. Criteria: GeneDx Variant Classification Process June 2021. Collection method: clinical testing. Allele origin: germline. Affected: yes.
Comment: Nonsense variant predicted to result in protein truncation or nonsense mediated decay in a gene for which loss of function is a known mechanism of disease; Not observed at significant frequency in large population cohorts (gnomAD); This variant is associated with the following publications: (PMID: 25525159, 14740320)

Labcorp Genetics (formerly Invitae), Labcorp
Classification: Pathogenic for Cerebral cavernous malformation 2. Last evaluated: 2023-03-22. Review status: criteria provided, single submitter. Criteria: Invitae Variant Classification Sherloc (09022015). Collection method: clinical testing. Allele origin: germline.
Comment: This variant is not present in population databases (gnomAD no frequency). This premature translational stop signal has been observed in individual(s) with cerebral cavernous malformations (PMID: 14740320). It has also been observed to segregate with disease in related individuals. For these reasons, this variant has been classified as Pathogenic. This sequence change creates a premature translational stop signal (p.Gln218*) in the CCM2 gene. It is expected to result in an absent or disrupted protein product. Loss-of-function variants in CCM2 are known to be pathogenic (PMID: 18300272, 24689081).

Literature cited by the submitters: PubMed 14740320 (cited by Labcorp Genetics (formerly Invitae), Labcorp); PubMed 18300272 (cited by Labcorp Genetics (formerly Invitae), Labcorp); PubMed 24689081 (cited by Labcorp Genetics (formerly Invitae), Labcorp).